The following is an entry in ClinVar:

NM_001792.5(CDH2):c.5G>A (p.Cys2Tyr)

Gene: CDH2 (cadherin 2; minus strand). Cytogenetic location: 18q12.1.
Variant type: single nucleotide variant.
Coding change: c.5G>A on transcript NM_001792.5 (MANE Select); coding-DNA position 5, G replaced by A.
Protein change: p.Cys2Tyr; replaces cysteine 2 with tyrosine.
Molecular consequence: missense variant.
Genome position (GRCh38, 1-based): chr18:28,177,018, C>T on the plus strand (G>A on the coding strand, the complement: CDH2 is on the minus strand). VCF-style: chr18-28177018-C-T. GRCh37 (hg19) VCF-style: chr18-25756982-C-T.
Other names: short protein forms C2Y.
Identifiers: ClinVar variation 3650232 (VCV003650232.2).
Genomic context (GRCh38, chr18:28,177,018, plus strand): 5'-CGTACCTGAAGCAGGGCCGCCAGCAGCGGCAGCAGGGTCCGCAGCGCTCCCGCTATCCGG[C>T]ACATGGAGGCGGAGAGGGGCCGAGCGAAGAGCCGGAGGAGGCGGCGGCGGCGGCGGCGGC-3'
Protein context (NP_001783.2, residues 1-12): M[Cys2Tyr]RIAGALRTLL

ClinVar aggregate classification (germline): Uncertain significance (1 of 4 stars; one submission).

Submission:

Labcorp Genetics (formerly Invitae), Labcorp
Classification: Uncertain significance. Last evaluated: 2024-04-17. Review status: criteria provided, single submitter. Criteria: Invitae Variant Classification Sherloc (09022015). Collection method: clinical testing. Allele origin: germline.
Comment: This sequence change replaces cysteine, which is neutral and slightly polar, with tyrosine, which is neutral and polar, at codon 2 of the CDH2 protein (p.Cys2Tyr). This variant is not present in population databases (gnomAD no frequency). This variant has not been reported in the literature in individuals affected with CDH2-related conditions. An algorithm developed to predict the effect of missense changes on protein structure and function (PolyPhen-2) suggests that this variant is likely to be tolerated. In summary, the available evidence is currently insufficient to determine the role of this variant in disease. Therefore, it has been classified as a Variant of Uncertain Significance.